The following is an entry in ClinVar:

NM_000419.5(ITGA2B):c.2883del (p.Phe961fs)

Gene: ITGA2B (integrin subunit alpha 2b; minus strand). Cytogenetic location: 17q21.31.
Variant type: Deletion.
Coding change: c.2883del on transcript NM_000419.5 (MANE Select); coding-DNA position 2883, one base deleted (C; older notation c.2883delC).
Protein change: p.Phe961fs; shifts the reading frame from phenylalanine 961.
Molecular consequence: frameshift variant.
Genome position (GRCh38, 1-based): chr17:44,374,719, G deleted on the plus strand (C on the coding strand, the reverse complement: ITGA2B is on the minus strand). VCF-style (leftmost placement, unchanged base first): chr17-44374718-TG-T. GRCh37 (hg19) VCF-style: chr17-42452086-TG-T.
Other names: c.2883del (LRG_479t1); short protein forms F961fs.
Identifiers: ClinVar variation 627052 (VCV000627052.2), dbSNP rs1598375779, ClinGen allele CA915940799.
Genomic context (GRCh38, chr17:44,374,718, plus strand): 5'-CCTGAGCTTCCCCTCGGGGCAGGCTGAGCGGGGGCACCGCATAGGGGAGGGAGGACACGT[TG>T]AACCATGCGTGCGACTGCAGCACAAACTGATCCAGAGGCCTCTGGACAGGTTGGGGTTGA-3'

ClinVar aggregate classification (germline): Pathogenic. Review status: reviewed by expert panel (3 of 4 stars). 2 submissions from 2 submitters: Pathogenic (1). 1 of the submissions does not count toward it. Last evaluated 2021-07-08.

Conditions:
Glanzmann thrombasthenia. Also called: BLEEDING DISORDER, PLATELET-TYPE, 2; THROMBASTHENIA OF GLANZMANN AND NAEGELI; Thrombasthenia; PLATELET GLYCOPROTEIN IIb-IIIa DEFICIENCY; Glanzmann's thrombasthenia. Identifiers: Orphanet 849, MedGen C0040015, MONDO:0100326.

Submissions (2):

ClinGen Platelet Disorders Variant Curation Expert Panel, ClinGen
Classification: Pathogenic for Glanzmann thrombasthenia. Last evaluated: 2021-07-08. Review status: reviewed by expert panel. Criteria: ClinGen Platelet ACMG Specifications v2. Collection method: curation. Allele origin: germline. Inheritance: Autosomal recessive inheritance.
Comment: The NM_000419.5(ITGA2B):c.2883del variant that results in the p.Phe961LeufsTer? frameshift has been reported homozygous in at least one GT patient (PMID: 22190468) with a highly specific phenotype. The variant causes stop loss and the addition of 90 amino acids to the ITGA2B protein, which alters the transmembrane domain. The variant is absent from population databases. In summary, based on the available evidence at this time, the variant is classified as pathogenic for GT. GT-specific criteria applied: PVS1_Strong, PM2_Supporting, PM3_supporting, PP4_Strong.

NIHR Bioresource Rare Diseases, University of Cambridge
Classification: Pathogenic for Glanzmann thrombasthenia 1. Last evaluated: 2019-02-01. Review status: criteria provided, single submitter. Criteria: ACMG Guidelines, 2015. Collection method: research. Allele origin: unknown. Affected: yes. Observed: 1 homozygote. Study: ThromboGenomics. Not counted in ClinVar's aggregate classification.

Literature cited by the submitters: PubMed 31064749 (cited by NIHR Bioresource Rare Diseases, University of Cambridge).